The following is an entry in ClinVar:

NM_004519.4(KCNQ3):c.2071G>A (p.Gly691Ser)

Gene: KCNQ3 (potassium voltage-gated channel subfamily Q member 3; minus strand). Cytogenetic location: 8q24.22.
Variant type: single nucleotide variant.
Coding change: c.2071G>A on transcript NM_004519.4 (MANE Select); coding-DNA position 2071, G replaced by A.
Protein change: p.Gly691Ser; replaces glycine 691 with serine.
Molecular consequence: missense variant.
Genome position (GRCh38, 1-based): chr8:132,129,810, C>T on the plus strand (G>A on the coding strand, the complement: KCNQ3 is on the minus strand). VCF-style: chr8-132129810-C-T. GRCh37 (hg19) VCF-style: chr8-133142057-C-T.
Other names: p.G691S:GGC>AGC; c.1711G>A, p.Gly571Ser (NM_001204824.2); short protein forms G691S, G571S.
Identifiers: ClinVar variation 205983 (VCV000205983.44), dbSNP rs747379988, ClinGen allele CA315632.

ClinVar aggregate classification (germline): Benign/Likely benign. Review status: criteria provided, multiple submitters, no conflicts (2 of 4 stars). 6 submissions from 6 submitters: Benign (1); Likely benign (5). Last evaluated 2026-01-01.

Conditions:
Inborn genetic diseases. Identifiers: MedGen C0950123, MeSH D030342.
Benign neonatal seizures. Also called: Convulsions benign familial neonatal dominant form; Autosomal dominant form of benign neonatal seizures; Benign familial neonatal seizures; Benign neonatal familial convulsions; Benign familial neonatal epilepsy. Identifiers: Orphanet 1949, MedGen C0220669, MONDO:0016027.
Seizures, benign familial neonatal, 2. Also called: Seizures, benign neonatal, 2; KCNQ3-Related Self-Limited Familial Neonatal Epilepsy (SLFNE); CONVULSIONS, BENIGN FAMILIAL NEONATAL, 2; Benign Neonatal Epilepsy 2; KCNQ3-Related Benign Familial Neonatal Epilepsy. Identifiers: Orphanet 1949, MedGen C1852581, MONDO:0007366, OMIM 121201.

Allele frequency attached by ClinVar (database versions not stated): gnomAD 0.00002 and 0.00004; TOPMed 0.00002; gnomAD exomes 0.00010 and 0.00017; ExAC 0.00019.
gnomAD v4.1: 150 of 1,614,154 alleles (0.0093%); highest among the groups gnomAD compares: South Asian, 0.14%; 2 homozygotes.

Submissions (6):

Labcorp Genetics (formerly Invitae), Labcorp
Classification: Likely benign for Benign neonatal seizures. Last evaluated: 2026-01-01. Review status: criteria provided, single submitter. Criteria: Invitae Variant Classification Sherloc (09022015). Collection method: clinical testing. Allele origin: germline.

Blueprint Genetics
Classification: Likely benign. Last evaluated: 2023-06-16. Review status: criteria provided, single submitter. Criteria: ACMG Guidelines, 2015. Collection method: clinical testing. Allele origin: germline.

CeGaT Center for Human Genetics Tuebingen
Classification: Likely benign. Last evaluated: 2022-12-01. Review status: criteria provided, single submitter. Criteria: CeGaT Center For Human Genetics Tuebingen Variant Classification Criteria Version 2. Collection method: clinical testing. Allele origin: germline. Affected: yes. Observed: 1 variant allele.
Comment: KCNQ3: BS2

GeneDx
Classification: Likely benign. Last evaluated: 2020-03-20. Review status: criteria provided, single submitter. Criteria: GeneDx Variant Classification Process June 2021. Collection method: clinical testing. Allele origin: germline. Affected: yes.

Ambry Genetics
Classification: Likely benign for Inborn genetic diseases. Last evaluated: 2018-08-30. Review status: criteria provided, single submitter. Criteria: Ambry Variant Classification Scheme 2023. Collection method: clinical testing. Allele origin: germline.

Illumina Laboratory Services, Illumina
Classification: Benign for Seizures, benign familial neonatal, 2. Last evaluated: 2018-01-13. Review status: criteria provided, single submitter. Criteria: ICSL Variant Classification Criteria 13 December 2019. Collection method: clinical testing. Allele origin: germline.
Comment: This variant was observed in the ICSL laboratory as part of a predisposition screen in an ostensibly healthy population. It had not been previously curated by ICSL or reported in the Human Gene Mutation Database (HGMD: prior to June 1st, 2018), and was therefore a candidate for classification through an automated scoring system. Utilizing variant allele frequency, disease prevalence and penetrance estimates, and inheritance mode, an automated score was calculated to assess if this variant is too frequent to cause the disease. Based on the score and internal cut-off values, a variant classified as benign is not then subjected to further curation. The score for this variant resulted in a classification of benign for this disease.